The following is an entry in ClinVar:

ClinVar aggregate classification (germline): Benign (1 of 4 stars; one submission).

Conditions:
Hereditary diffuse gastric adenocarcinoma (HDGC). Also called: DIFFUSE GASTRIC AND LOBULAR BREAST CANCER SYNDROME. Identifiers: Orphanet 26106, MedGen C1708349, MONDO:0007648, OMIM 137215.

Submission:

Myriad Genetics, Inc.
Classification: Benign for Hereditary diffuse gastric adenocarcinoma. Last evaluated: 2024-09-13. Review status: criteria provided, single submitter. Criteria: Myriad Autosomal Dominant, Autosomal Recessive and X-Linked Classification Criteria (2023). Collection method: clinical testing. Allele origin: unknown.
Comment: This variant is considered benign. This variant is a silent/synonymous amino acid change and it is not expected to impact splicing.

NM_004360.5(CDH1):c.588A>T (p.Gly196=)

Gene: CDH1 (cadherin 1; plus strand). Cytogenetic location: 16q22.1.
Variant type: single nucleotide variant.
Coding change: c.588A>T on transcript NM_004360.5 (MANE Select); coding-DNA position 588, A replaced by T.
Protein change: p.Gly196=; no amino-acid change (glycine 196 retained).
Molecular consequence: synonymous variant. On other transcripts: 5 prime UTR variant (2).
Genome position (GRCh38, 1-based): chr16:68,808,749, A>T. VCF-style: chr16-68808749-A-T. GRCh37 (hg19) VCF-style: chr16-68842652-A-T.
Other names: c.588A>T, p.Gly196= (NM_001317184.2); c.-1028A>T (NM_001317185.2); c.-1232A>T (NM_001317186.2).
Identifiers: ClinVar variation 3378652 (VCV003378652.1).